The following is an entry in ClinVar:

NM_022489.4(INF2):c.685G>A (p.Val229Ile)

Gene: INF2 (inverted formin 2; plus strand). Cytogenetic location: 14q32.33.
Variant type: single nucleotide variant.
Coding change: c.685G>A on transcript NM_022489.4 (MANE Select); coding-DNA position 685, G replaced by A.
Protein change: p.Val229Ile; replaces valine 229 with isoleucine.
Molecular consequence: missense variant.
Genome position (GRCh38, 1-based): chr14:104,703,933, G>A. VCF-style: chr14-104703933-G-A. GRCh37 (hg19) VCF-style: chr14-105170270-G-A.
Other names: c.685G>A, p.Val229Ile (NM_001031714.4, NM_032714.3); c.685G>A (NM_022489.3); short protein forms V229I.
Identifiers: ClinVar variation 1428952 (VCV001428952.9), dbSNP rs752058170, ClinGen allele CA7372388.

ClinVar aggregate classification (germline): Conflicting classifications of pathogenicity. Review status: criteria provided, conflicting classifications (1 of 4 stars). 4 submissions from 4 submitters: Uncertain significance (3); Likely benign (1). Last evaluated 2023-04-27.

Conditions:
Charcot-Marie-Tooth disease dominant intermediate E. Also called: CHARCOT-MARIE-TOOTH NEUROPATHY WITH FOCAL SEGMENTAL GLOMERULONEPHRITIS. Identifiers: Orphanet 93114, MedGen C4302667, MONDO:0013758, OMIM 614455.
Focal segmental glomerulosclerosis 5 (FSGS5). Identifiers: Orphanet 656, MedGen C2750475, MONDO:0013191, OMIM 613237.
Inborn genetic diseases. Identifiers: MedGen C0950123, MeSH D030342.

Allele frequency attached by ClinVar (database versions not stated): gnomAD exomes below 0.00001; ExAC 0.00001; TOPMed 0.00002; 1000 Genomes Project 30x 0.00016.

Submissions (4):

Labcorp Genetics (formerly Invitae), Labcorp
Classification: Uncertain significance for Charcot-Marie-Tooth disease dominant intermediate E; Focal segmental glomerulosclerosis 5. Last evaluated: 2023-04-27. Review status: criteria provided, single submitter. Criteria: Invitae Variant Classification Sherloc (09022015). Collection method: clinical testing. Allele origin: germline.
Comment: In summary, the available evidence is currently insufficient to determine the role of this variant in disease. Therefore, it has been classified as a Variant of Uncertain Significance. Advanced modeling of protein sequence and biophysical properties (such as structural, functional, and spatial information, amino acid conservation, physicochemical variation, residue mobility, and thermodynamic stability) performed at Invitae indicates that this missense variant is not expected to disrupt INF2 protein function. ClinVar contains an entry for this variant (Variation ID: 1428952). This variant has not been reported in the literature in individuals affected with INF2-related conditions. This variant is present in population databases (rs752058170, gnomAD 0.0009%). This sequence change replaces valine, which is neutral and non-polar, with isoleucine, which is neutral and non-polar, at codon 229 of the INF2 protein (p.Val229Ile).

Ambry Genetics
Classification: Likely benign for Inborn genetic diseases. Last evaluated: 2022-10-26. Review status: criteria provided, single submitter. Criteria: Ambry Variant Classification Scheme 2023. Collection method: clinical testing. Allele origin: germline.

Fulgent Genetics
Classification: Uncertain significance for Focal segmental glomerulosclerosis 5; Charcot-Marie-Tooth disease dominant intermediate E. Last evaluated: 2022-02-04. Review status: criteria provided, single submitter. Criteria: ACMG Guidelines, 2015. Collection method: clinical testing. Allele origin: unknown.

Blueprint Genetics
Classification: Uncertain significance. Last evaluated: 2021-07-08. Review status: criteria provided, single submitter. Criteria: ACMG Guidelines, 2015. Collection method: clinical testing. Allele origin: germline.